The following is an entry in ClinVar:

NM_007294.4(BRCA1):c.5074+10G>T

Gene: BRCA1 (BRCA1 DNA repair associated; minus strand). Cytogenetic location: 17q21.31.
Variant type: single nucleotide variant.
Coding change: c.5074+10G>T on transcript NM_007294.4 (MANE Select); 10 bases into the intron after coding-DNA position 5074, G replaced by T.
Molecular consequence: intron variant.
Genome position (GRCh38, 1-based): chr17:43,067,598, C>A on the plus strand (G>T on the coding strand, the complement: BRCA1 is on the minus strand). VCF-style: chr17-43067598-C-A. GRCh37 (hg19) VCF-style: chr17-41219615-C-A.
Other names: c.1621+10G>T (NM_001408458.1, NM_001408461.1, NM_001408464.1 and 7 more transcripts); c.4183+10G>T (NM_001407967.1); c.4693+10G>T (NM_001407959.1); c.4807+10G>T (NM_001407931.1, NM_001407932.1, NM_001407928.1 and 4 more transcripts); c.4930+10G>T (NM_001407747.1, NM_001407745.1, NM_001407737.1 and 21 more transcripts); c.4690+10G>T (NM_001407962.1, NM_001407960.1); c.1261+10G>T (NM_001408512.1); c.1384+10G>T (NM_001408510.1); and 71 more.
Identifiers: ClinVar variation 868999 (VCV000868999.6), dbSNP rs780970459, ClinGen allele CA916080143.

ClinVar aggregate classification (germline): Likely benign (1 of 4 stars; one submission).

Conditions:
Hereditary breast ovarian cancer syndrome. Also called: Hereditary breast and ovarian cancer; Hereditary breast and ovarian cancer syndrome (HBOC); Breast and ovarian cancer; Hereditary breast and/or ovarian cancer syndrome; BRCA1- and BRCA2-Associated Hereditary Breast and Ovarian Cancer; Hereditary breast and ovarian cancer syndrome. Identifiers: Orphanet 145, MedGen C0677776, MeSH D061325, MONDO:0003582. Disease mechanism: loss of function.

Submissions (2):

Labcorp Genetics (formerly Invitae), Labcorp
Classification: Likely benign for Hereditary breast ovarian cancer syndrome. Last evaluated: 2023-08-24. Review status: criteria provided, single submitter. Criteria: Invitae Variant Classification Sherloc (09022015). Collection method: clinical testing. Allele origin: germline.

Brotman Baty Institute, University of Washington
No classification provided (evidence only). Condition: Breast-ovarian cancer, familial 1. Review status: no classification provided. Collection method: in vitro. Allele origin: not applicable. Functional consequence: functionally_normal. Not counted in ClinVar's aggregate classification.
ClinVar note: "not provided" was previously submitted as the classification for the variant. However, the classification appeared to be based only on an observation of functional data so it was converted to no classification on 2025-07-30.